The following is an entry in ClinVar:

ClinVar aggregate classification (germline): Pathogenic (1 of 4 stars; one submission).

Conditions:
Familial cancer of breast. Also called: Hereditary breast cancer; BREAST CANCER, FAMILIAL; hereditary breast carcinoma. Identifiers: Orphanet 227535, MedGen C0346153, MONDO:0016419, OMIM 114480. Disease mechanism: loss of function.

Submission:

Myriad Genetics, Inc.
Classification: Pathogenic for Familial cancer of breast. Last evaluated: 2023-01-13. Review status: criteria provided, single submitter. Criteria: Myriad Autosomal Dominant, Autosomal Recessive and X-Linked Classification Criteria (2023). Collection method: clinical testing. Allele origin: unknown.
Comment: This variant is considered pathogenic. This variant creates a frameshift predicted to result in premature protein truncation.

NM_000051.4(ATM):c.4421_4432delinsCAACT (p.His1474fs)

Gene: ATM (ATM serine/threonine kinase; plus strand). Cytogenetic location: 11q22.3.
Variant type: Indel.
Coding change: c.4421_4432delinsCAACT on transcript NM_000051.4 (MANE Select); coding-DNA positions 4421 to 4432, ACTATATCAACC replaced by CAACT.
Protein change: p.His1474fs; shifts the reading frame from histidine 1474.
Molecular consequence: frameshift variant.
Genome position (GRCh38, 1-based): chr11:108,289,786-108,289,797, ACTATATCAACC replaced by CAACT. VCF-style: chr11-108289786-ACTATATCAACC-CAACT. GRCh37 (hg19) VCF-style: chr11-108160513-ACTATATCAACC-CAACT.
Other names: c.4421_4432delinsCAACT, p.His1474fs (NM_001351834.2); short protein forms H1474fs.
Identifiers: ClinVar variation 2431261 (VCV002431261.1), dbSNP rs2546910757, ClinGen allele CA2580083237.
Genomic context (GRCh38, chr11:108,289,786, plus strand): 5'-AAAGTGGCTTAGGAGGAGCTTGGGCCTTTGTTCTTCGAGACGTTATTTATACTTTGATTC[ACTATATCAACC>CAACT]AAAGGTAAATAACATATTTAGACCAATATATAAGCAGTCTTTCTATCCTGTTCTTCCTGT-3'